The following is an entry in ClinVar:

ClinVar aggregate classification (germline): Uncertain significance (1 of 4 stars; one submission).

Allele frequency attached by ClinVar (database versions not stated): gnomAD exomes below 0.00001.
gnomAD v4.1: 1 of 1,614,206 alleles (0.000062%); highest among the groups gnomAD compares: Non-Finnish European, 0.000085%; no homozygotes.

Submission:

Ambry Genetics
Classification: Uncertain significance. Last evaluated: 2023-05-04. Review status: criteria provided, single submitter. Criteria: Ambry Variant Classification Scheme 2023. Collection method: clinical testing. Allele origin: germline.
Comment: The p.E1033Q variant (also known as c.3097G>C), located in coding exon 1 of the MLH3 gene, results from a G to C substitution at nucleotide position 3097. The glutamic acid at codon 1033 is replaced by glutamine, an amino acid with highly similar properties. This amino acid position is conserved. In addition, this alteration is predicted to be tolerated by in silico analysis. Since supporting evidence is limited at this time, the clinical significance of this alteration remains unclear.

NM_001040108.2(MLH3):c.3097G>C (p.Glu1033Gln)

Gene: MLH3 (mutL homolog 3; minus strand). Cytogenetic location: 14q24.3.
Variant type: single nucleotide variant.
Coding change: c.3097G>C on transcript NM_001040108.2 (MANE Select); coding-DNA position 3097, G replaced by C.
Protein change: p.Glu1033Gln; replaces glutamic acid 1033 with glutamine.
Molecular consequence: missense variant.
Genome position (GRCh38, 1-based): chr14:75,046,559, C>G on the plus strand (G>C on the coding strand, the complement: MLH3 is on the minus strand). VCF-style: chr14-75046559-C-G. GRCh37 (hg19) VCF-style: chr14-75513262-C-G.
Other names: c.3097G>C, p.Glu1033Gln (NM_014381.3); short protein forms E1033Q.
Identifiers: ClinVar variation 2563554 (VCV002563554.2), dbSNP rs2139548303, ClinGen allele CA390436340.
Genomic context (GRCh38, chr14:75,046,559, plus strand): 5'-CCAGGGCTACATCGAAATGCCGCTGCCAATCTGAACAACACGTGTTTGACTCTTCAGTTT[C>G]AGAACAAGCTCTTGCTTTAGATTCCTCACTCTGAAAACAAATTCCATTTTGGTCACCTGT-3'
Protein context (NP_001035197.1, residues 1023-1043): SEESKARACS[Glu1033Gln]TEESNTCCSD